The following is an entry in ClinVar:

ClinVar aggregate classification (germline): Likely pathogenic (0 of 4 stars; one submission).

Conditions:
Ehlers-Danlos syndrome (EDS). Identifiers: Orphanet 98249, MedGen C0013720, MONDO:0020066.

Submission:

Department of Periodontology, Nanjing Stomatological Hospital, Medical School of Nanjing University
Classification: Likely pathogenic for Ehlers-Danlos syndrome. Last evaluated: 2020-04-25. Review status: no assertion criteria provided. Collection method: clinical testing. Allele origin: unknown. Inheritance: Autosomal dominant inheritance. Affected: yes. Observed: 1 heterozygote.
Comment: The p.Gly441Glufs*95 variant in COL3A1 has been reported in 1 Chinese families with autosomal dominant associated with severe periodontitis and tooth loss, clinical features suggested a provisional diagnosis of periodontal Ehlers-Danlos syndrome. Whole-exome sequencing identified missense mutation c.265T>C in C1R in all affected family members tested and the p.Gly441Glufs*95 variant in COL3A1 in the proband alone. the p.Gly441Glufs*95 variant in COL3A1 in the proband is a frameshift mutation resulting from a single base deletion, which may induce an error in the amino acid sequence from the base deletion site backward. This mutation may lead to a premature termination site after codon 95, encoding in termination of protein synthesis and a truncated protein. The truncated protein is generally degraded, resulting in reduced production of type III procollagen production in the affected individual. (b) thin and translucent skin with visible patterns on dorsum of feet; and (c) gingival fragility. In summary, the p.Gly441Glufs*95 variant in COL3A1 meets our criteria to be classified as pathogenic.

Literature cited by the submitters: DOI 10.1111/jcpe.12988.

NM_000090.4(COL3A1):c.1322del (p.Gly441fs)

Gene: COL3A1 (collagen type III alpha 1 chain; plus strand). Cytogenetic location: 2q32.2.
Variant type: Deletion.
Coding change: c.1322del on transcript NM_000090.4 (MANE Select); coding-DNA position 1322, one base deleted (G; older notation c.1322delG).
Protein change: p.Gly441fs; shifts the reading frame from glycine 441.
Molecular consequence: frameshift variant.
Genome position (GRCh38, 1-based): chr2:188,994,569, G deleted; the last of 2 consecutive G bases (chr2:188,994,568-188,994,569); deleting either gives the same sequence. VCF-style (leftmost placement, unchanged base first): chr2-188994567-AG-A. GRCh37 (hg19) VCF-style: chr2-189859293-AG-A.
Other names: short protein forms G441fs.
Identifiers: ClinVar variation 973734 (VCV000973734.2), dbSNP rs1688259777, ClinGen allele CA1139657558.